The following is an entry in ClinVar:

NM_005570.4(LMAN1):c.214+7C>T

Gene: LMAN1 (lectin, mannose binding 1; minus strand). Cytogenetic location: 18q21.32.
Variant type: single nucleotide variant.
Coding change: c.214+7C>T on transcript NM_005570.4 (MANE Select); 7 bases into the intron after coding-DNA position 214, C replaced by T.
Molecular consequence: intron variant.
Genome position (GRCh38, 1-based): chr18:59,359,024, G>A on the plus strand (C>T on the coding strand, the complement: LMAN1 is on the minus strand). VCF-style: chr18-59359024-G-A. GRCh37 (hg19) VCF-style: chr18-57026256-G-A.
Identifiers: ClinVar variation 327578 (VCV000327578.7), dbSNP rs2277728, ClinGen allele CA8980056.
Genomic context (GRCh38, chr18:59,359,024, plus strand): 5'-GATGAAAGGCGAAGAGGCAGCAGAAGGGGGAGAGGAACCCGGCCCCCAGCCCTCTGCTCC[G>A]GCTTACTCCCCGCGTGGGCCCAGAAGGGCACGGTCCCGTCGCTCTGCACCAGGTGCGGCC-3'

ClinVar aggregate classification (germline): Benign/Likely benign. Review status: criteria provided, multiple submitters, no conflicts (2 of 4 stars). 3 submissions from 3 submitters: Benign (1); Likely benign (2). Last evaluated 2025-12-03.

Conditions:
Factor V and factor VIII, combined deficiency of, type 1. Also called: Combined factor V and VIII deficiency; FAMILIAL MULTIPLE COAGULATION FACTOR DEFICIENCY I; FMFD I; MULTIPLE COAGULATION FACTOR DEFICIENCY I. Identifiers: Orphanet 35909, MedGen C4551981, MONDO:0009206, OMIM 227300.

Allele frequency attached by ClinVar (database versions not stated): ESP Exome Variant Server 0.00015; gnomAD exomes 0.00039 and 0.00099; TOPMed 0.00076; gnomAD 0.00080; ExAC 0.00114; 1000 Genomes Project 30x 0.00312; 1000 Genomes Project 0.00339.
gnomAD v4.1: 664 of 1,613,462 alleles (0.041%); highest among the groups gnomAD compares: East Asian, 1.1%; 4 homozygotes.

Submissions (3):

Labcorp Genetics (formerly Invitae), Labcorp
Classification: Benign. Last evaluated: 2025-12-03. Review status: criteria provided, single submitter. Criteria: Invitae Variant Classification Sherloc (09022015). Collection method: clinical testing. Allele origin: germline.

Blueprint Genetics
Classification: Likely benign. Last evaluated: 2024-11-04. Review status: criteria provided, single submitter. Criteria: ACMG Guidelines, 2015. Collection method: clinical testing. Allele origin: germline.

Illumina Laboratory Services, Illumina
Classification: Likely benign for Factor V and factor VIII, combined deficiency of, type 1. Last evaluated: 2018-01-13. Review status: criteria provided, single submitter. Criteria: ICSL Variant Classification Criteria 13 December 2019. Collection method: clinical testing. Allele origin: germline.
Comment: This variant was observed in the ICSL laboratory as part of a predisposition screen in an ostensibly healthy population. It had not been previously curated by ICSL or reported in the Human Gene Mutation Database (HGMD: prior to June 1st, 2018), and was therefore a candidate for classification through an automated scoring system. Utilizing variant allele frequency, disease prevalence and penetrance estimates, and inheritance mode, an automated score was calculated to assess if this variant is too frequent to cause the disease. Based on the score and internal cut-off values, a variant classified as likely benign is not then subjected to further curation. The score for this variant resulted in a classification of likely benign for this disease.